The following is an entry in ClinVar:

NM_000038.6(APC):c.3240G>A (p.Glu1080=)

Gene: APC (APC regulator of Wnt signaling pathway; plus strand). Cytogenetic location: 5q22.2.
Variant type: single nucleotide variant.
Coding change: c.3240G>A on transcript NM_000038.6 (MANE Select); coding-DNA position 3240, G replaced by A.
Protein change: p.Glu1080=; no amino-acid change (glutamic acid 1080 retained).
Molecular consequence: synonymous variant.
Genome position (GRCh38, 1-based): chr5:112,838,834, G>A. VCF-style: chr5-112838834-G-A. GRCh37 (hg19) VCF-style: chr5-112174531-G-A.
Other names: c.3240G>A, p.Glu1080= (NM_001127510.3, NM_001354895.2); c.3186G>A, p.Glu1062= (NM_001127511.3); c.3294G>A, p.Glu1098= (NM_001354896.2); c.3270G>A, p.Glu1090= (NM_001354897.2); c.3165G>A, p.Glu1055= (NM_001354898.2); c.3156G>A, p.Glu1052= (NM_001354899.2); c.3117G>A, p.Glu1039= (NM_001354900.2); c.3063G>A, p.Glu1021= (NM_001354901.2); and 5 more.
Identifiers: ClinVar variation 823273 (VCV000823273.14), dbSNP rs760005647, ClinGen allele CA034749.
Genomic context (GRCh38, chr5:112,838,834, plus strand): 5'-AAAACAAAGTGAGCAAAGACAATCAAGGAATCAAAGTACAACTTATCCTGTTTATACTGA[G>A]AGCACTGATGATAAACACCTCAAGTTCCAACCACATTTTGGACAGCAGGAATGTGTTTCT-3'
Protein context (NP_000029.2, residues 1070-1090): NQSTTYPVYT[Glu1080=]STDDKHLKFQ

ClinVar aggregate classification (germline): Benign/Likely benign. Review status: criteria provided, multiple submitters, no conflicts (2 of 4 stars). 3 submissions from 3 submitters: Benign (1); Likely benign (2). Last evaluated 2025-04-18.

Conditions:
Hereditary cancer-predisposing syndrome. Also called: Tumor predisposition; Hereditary Cancer Syndrome; Neoplastic Syndromes, Hereditary; Hereditary neoplastic syndrome. Identifiers: Orphanet 140162, MedGen C0027672, MeSH D009386, MONDO:0015356.
Familial adenomatous polyposis 1 (FAP1). Also called: FAMILIAL ADENOMATOUS POLYPOSIS 1, ATTENUATED; POLYPOSIS, ADENOMATOUS INTESTINAL. Identifiers: MedGen C2713442, MONDO:0021056, OMIM 175100. Disease mechanism: loss of function.

Allele frequency attached by ClinVar (database versions not stated): gnomAD exomes below 0.00001; ExAC 0.00001.
gnomAD v4.1: 1 of 1,614,126 alleles (0.000062%); highest among the groups gnomAD compares: Admixed American, 0.0017%; no homozygotes.

Submissions (3):

Labcorp Genetics (formerly Invitae), Labcorp
Classification: Likely benign for Familial adenomatous polyposis 1. Last evaluated: 2025-04-18. Review status: criteria provided, single submitter. Criteria: Invitae Variant Classification Sherloc (09022015). Collection method: clinical testing. Allele origin: germline.

Myriad Genetics, Inc.
Classification: Benign for Familial adenomatous polyposis 1. Last evaluated: 2024-03-18. Review status: criteria provided, single submitter. Criteria: Myriad Autosomal Dominant, Autosomal Recessive and X-Linked Classification Criteria (2023). Collection method: clinical testing. Allele origin: unknown.
Comment: This variant is considered benign. This variant is a silent/synonymous amino acid change and it is not expected to impact splicing.

Ambry Genetics
Classification: Likely benign for Hereditary cancer-predisposing syndrome. Last evaluated: 2019-02-07. Review status: criteria provided, single submitter. Criteria: Ambry Variant Classification Scheme 2023. Collection method: clinical testing. Allele origin: germline.